The following is an entry in ClinVar:

ClinVar aggregate classification (germline): Pathogenic (1 of 4 stars; one submission).

Allele frequency attached by ClinVar (database versions not stated): TOPMed below 0.00001; gnomAD 0.00003.

Submission:

Labcorp Genetics (formerly Invitae), Labcorp
Classification: Pathogenic. Last evaluated: 2023-03-03. Review status: criteria provided, single submitter. Criteria: Invitae Variant Classification Sherloc (09022015). Collection method: clinical testing. Allele origin: germline.
Comment: This variant is present in population databases (no rsID available, gnomAD 0.01%). This sequence change creates a premature translational stop signal (p.Gln336*) in the POGLUT1 gene. While this is not anticipated to result in nonsense mediated decay, it is expected to disrupt the last 57 amino acid(s) of the POGLUT1 protein. This variant has not been reported in the literature in individuals affected with POGLUT1-related conditions. For these reasons, this variant has been classified as Pathogenic. This variant disrupts a region of the POGLUT1 protein in which other variant(s) (p.Ile338Lysfs*27) have been determined to be pathogenic (PMID: 24387993, 30414910, 30653241). This suggests that this is a clinically significant region of the protein, and that variants that disrupt it are likely to be disease-causing. Experimental studies and prediction algorithms are not available or were not evaluated, and the functional significance of this variant is currently unknown.

Literature cited by the submitters: PubMed 24387993; PubMed 30414910; PubMed 30653241.

NM_152305.3(POGLUT1):c.1006C>T (p.Gln336Ter)

Gene: POGLUT1 (protein O-glucosyltransferase 1; plus strand). Cytogenetic location: 3q13.33.
Variant type: single nucleotide variant.
Coding change: c.1006C>T on transcript NM_152305.3 (MANE Select); coding-DNA position 1006, C replaced by T.
Protein change: p.Gln336Ter; replaces glutamine 336 with a stop codon.
Molecular consequence: nonsense. On other transcripts: non-coding transcript variant (1).
Genome position (GRCh38, 1-based): chr3:119,491,558, C>T. VCF-style: chr3-119491558-C-T. GRCh37 (hg19) VCF-style: chr3-119210405-C-T.
Other names: c.1006C>T, p.Gln336Ter (NM_020231.3); short protein forms Q336*.
Identifiers: ClinVar variation 2978970 (VCV002978970.3), dbSNP rs1161535903, ClinGen allele CA354048928.
Genomic context (GRCh38, chr3:119,491,558, plus strand): 5'-TAAAATTCTTTTCATTTTAGAGAGCTGTTACAATTTGTAAAAGCAAATGATGATGTAGCT[C>T]AAGAGATTGCTGAAAGGTGAGTTCTGTTCATTTTCCCTTTTCCACTTTACTTTTTGTCAT-3'